The following is an entry in ClinVar:

NM_001145809.2(MYH14):c.3467+9T>G

Gene: MYH14 (myosin heavy chain 14; plus strand). Cytogenetic location: 19q13.33.
Variant type: single nucleotide variant.
Coding change: c.3467+9T>G on transcript NM_001145809.2 (MANE Select); 9 bases into the intron after coding-DNA position 3467, T replaced by G.
Molecular consequence: intron variant.
Genome position (GRCh38, 1-based): chr19:50,272,740, T>G. VCF-style: chr19-50272740-T-G. GRCh37 (hg19) VCF-style: chr19-50775997-T-G.
Other names: p.?; c.3368+9T>G (NM_001077186.2); c.3344+9T>G (NM_024729.4).
Identifiers: ClinVar variation 732741 (VCV000732741.8), dbSNP rs1378826651, ClinGen allele CA633896766.
Genomic context (GRCh38, chr19:50,272,740, plus strand): 5'-TGCGGGCCCAGCTGGGCCGGAAGGAGGAGGAGCTGCAGGCTGCCCTGGCCAGGTGCAGGG[T>G]GGGGTGGGCTTGGTGGGGTAAGCAGCATGGGTGCACGGCCAGCCAGCGTGGGGTGCCCAA-3'

ClinVar aggregate classification (germline): Conflicting classifications of pathogenicity. Review status: criteria provided, conflicting classifications (1 of 4 stars). 3 submissions from 3 submitters: Uncertain significance (1); Likely benign (2). Last evaluated 2024-12-10.

Conditions:
Autosomal dominant nonsyndromic hearing loss 4A. Also called: Deafness, autosomal dominant 4A. Identifiers: Orphanet 90635, MedGen C1833503, MONDO:0010915, OMIM 600652.

Allele frequency attached by ClinVar (database versions not stated): gnomAD exomes 0.00001 and 0.00002; gnomAD 0.00002; TOPMed 0.00002.
gnomAD v4.1: 26 of 1,548,708 alleles (0.0017%); highest among the groups gnomAD compares: Admixed American, 0.0039%; no homozygotes.

Submissions (3):

Mayo Clinic Laboratories, Mayo Clinic
Classification: Likely benign. Last evaluated: 2024-12-10. Review status: criteria provided, single submitter. Criteria: ACMG Guidelines, 2015. Collection method: clinical testing. Allele origin: germline. Observed: 1 variant allele.
Comment: BP4, BP7

Illumina Laboratory Services, Illumina
Classification: Uncertain significance for Autosomal dominant nonsyndromic hearing loss 4A. Last evaluated: 2018-01-12. Review status: criteria provided, single submitter. Criteria: ICSL Variant Classification Criteria 13 December 2019. Collection method: clinical testing. Allele origin: germline.

Labcorp Genetics (formerly Invitae), Labcorp
Classification: Likely benign. Last evaluated: 2017-11-15. Review status: criteria provided, single submitter. Criteria: Invitae Variant Classification Sherloc (09022015). Collection method: clinical testing. Allele origin: germline.